The following is an entry in ClinVar:

ClinVar aggregate classification (germline): Uncertain significance (1 of 4 stars; one submission).

gnomAD v4.1: 1 of 1,598,098 alleles (0.000063%); highest among the groups gnomAD compares: South Asian, 0.0011%; no homozygotes.

Submission:

GeneDx
Classification: Uncertain significance. Last evaluated: 2021-11-10. Review status: criteria provided, single submitter. Criteria: GeneDx Variant Classification Process June 2021. Collection method: clinical testing. Allele origin: germline. Affected: yes.
Comment: Not observed at significant frequency in large population cohorts (gnomAD); In silico analysis supports that this missense variant does not alter protein structure/function; Has not been previously published as pathogenic or benign to our knowledge

NM_001378609.3(OTOGL):c.4409G>A (p.Gly1470Asp)

Gene: OTOGL (otogelin like; plus strand). Cytogenetic location: 12q21.31.
Variant type: single nucleotide variant.
Coding change: c.4409G>A on transcript NM_001378609.3 (MANE Select); coding-DNA position 4409, G replaced by A.
Protein change: p.Gly1470Asp; replaces glycine 1470 with aspartic acid.
Molecular consequence: missense variant.
Genome position (GRCh38, 1-based): chr12:80,333,065, G>A. VCF-style: chr12-80333065-G-A. GRCh37 (hg19) VCF-style: chr12-80726845-G-A.
Other names: c.4274G>A, p.Gly1425Asp (NM_001368062.3); c.4409G>A, p.Gly1470Asp (NM_001378610.3, NM_173591.7); short protein forms G1425D, G1470D.
Identifiers: ClinVar variation 3903212 (VCV003903212.1).